The following is an entry in ClinVar:

NM_138459.5(NUS1):c.634G>T (p.Ala212Ser)

Gene: NUS1 (NUS1 dehydrodolichyl diphosphate synthase subunit; plus strand). Cytogenetic location: 6q22.1.
Variant type: single nucleotide variant.
Coding change: c.634G>T on transcript NM_138459.5 (MANE Select); coding-DNA position 634, G replaced by T.
Protein change: p.Ala212Ser; replaces alanine 212 with serine.
Molecular consequence: missense variant.
Genome position (GRCh38, 1-based): chr6:117,694,123, G>T. VCF-style: chr6-117694123-G-T. GRCh37 (hg19) VCF-style: chr6-118015286-G-T.
Other names: short protein forms A212S.
Identifiers: ClinVar variation 2089918 (VCV002089918.4), dbSNP rs1773282344, ClinGen allele CA365537103.

ClinVar aggregate classification (germline): Uncertain significance (1 of 4 stars; one submission).

Conditions:
Congenital disorder of glycosylation, type Iaa. Also called: Congenital disorder of glycosylation, type 1aa. Identifiers: MedGen C4310727, MONDO:0014904, OMIM 617082.

Submission:

Labcorp Genetics (formerly Invitae), Labcorp
Classification: Uncertain significance for Congenital disorder of glycosylation, type Iaa. Last evaluated: 2022-05-24. Review status: criteria provided, single submitter. Criteria: Invitae Variant Classification Sherloc (09022015). Collection method: clinical testing. Allele origin: germline.
Comment: In summary, the available evidence is currently insufficient to determine the role of this variant in disease. Therefore, it has been classified as a Variant of Uncertain Significance. Algorithms developed to predict the effect of missense changes on protein structure and function (SIFT, PolyPhen-2, Align-GVGD) all suggest that this variant is likely to be tolerated. This variant has not been reported in the literature in individuals affected with NUS1-related conditions. This variant is not present in population databases (gnomAD no frequency). This sequence change replaces alanine, which is neutral and non-polar, with serine, which is neutral and polar, at codon 212 of the NUS1 protein (p.Ala212Ser).